The following is an entry in ClinVar:

ClinVar aggregate classification (germline): Likely benign. Review status: criteria provided, single submitter (1 of 4 stars). 2 submissions from 2 submitters: Likely benign (1). 1 of the submissions does not count toward it. Last evaluated 2025-03-01.

Conditions:
CHD5-related disorder. Also called: CHD5-related condition.

gnomAD v4.1: 338 of 1,614,144 alleles (0.021%); highest among the groups gnomAD compares: African/African-American, 0.2%; 1 homozygote.

Submissions (2):

CeGaT Center for Human Genetics Tuebingen
Classification: Likely benign. Last evaluated: 2025-03-01. Review status: criteria provided, single submitter. Criteria: CeGaT Center For Human Genetics Tuebingen Variant Classification Criteria Version 2. Collection method: clinical testing. Allele origin: germline. Affected: yes. Observed: 1 variant allele.
Comment: CHD5: BP4, BP7, BS1

PreventionGenetics, part of Exact Sciences
Classification: Likely benign for CHD5-related condition. Last evaluated: 2024-07-02. Review status: no assertion criteria provided. Collection method: clinical testing. Allele origin: germline. Not counted in ClinVar's aggregate classification.
Comment: This variant is classified as likely benign based on ACMG/AMP sequence variant interpretation guidelines (Richards et al. 2015 PMID: 25741868, with internal and published modifications).

NM_015557.3(CHD5):c.1653G>A (p.Pro551=)

Gene: CHD5 (chromodomain helicase DNA binding protein 5; minus strand). Cytogenetic location: 1p36.31.
Variant type: single nucleotide variant.
Coding change: c.1653G>A on transcript NM_015557.3 (MANE Select); coding-DNA position 1653, G replaced by A.
Protein change: p.Pro551=; no amino-acid change (proline 551 retained).
Molecular consequence: synonymous variant.
Genome position (GRCh38, 1-based): chr1:6,146,361, C>T on the plus strand (G>A on the coding strand, the complement: CHD5 is on the minus strand). VCF-style: chr1-6146361-C-T. GRCh37 (hg19) VCF-style: chr1-6206421-C-T.
Identifiers: ClinVar variation 3350609 (VCV003350609.8).